The following is an entry in ClinVar:

NM_006015.6(ARID1A):c.3046G>A (p.Gly1016Ser)

Gene: ARID1A (AT-rich interaction domain 1A; plus strand). Cytogenetic location: 1p36.11.
Variant type: single nucleotide variant.
Coding change: c.3046G>A on transcript NM_006015.6 (MANE Select); coding-DNA position 3046, G replaced by A.
Protein change: p.Gly1016Ser; replaces glycine 1016 with serine.
Molecular consequence: missense variant.
Genome position (GRCh38, 1-based): chr1:26,767,847, G>A. VCF-style: chr1-26767847-G-A. GRCh37 (hg19) VCF-style: chr1-27094338-G-A.
Other names: c.3046G>A, p.Gly1016Ser (NM_139135.4); short protein forms G1016S.
Identifiers: ClinVar variation 1291562 (VCV001291562.10), dbSNP rs182858322, ClinGen allele CA707140.

ClinVar aggregate classification (germline): Benign/Likely benign. Review status: criteria provided, multiple submitters, no conflicts (2 of 4 stars). 5 submissions from 5 submitters: Benign (2); Likely benign (2). 1 of the submissions does not count toward it. Last evaluated 2026-07-01.

Conditions:
ARID1A-related disorder. Also called: ARID1A-related condition.

Allele frequency attached by ClinVar (database versions not stated): 1000 Genomes Project 30x 0.00078; 1000 Genomes Project 0.00080; gnomAD exomes 0.00005 and 0.00019; gnomAD 0.00007 and 0.00011; ExAC 0.00012; TOPMed 0.00014.
gnomAD v4.1: 94 of 1,614,154 alleles (0.0058%); highest among the groups gnomAD compares: East Asian, 0.18%; no homozygotes.

Submissions (5):

CeGaT Center for Human Genetics Tuebingen
Classification: Likely benign. Last evaluated: 2026-07-01. Review status: criteria provided, single submitter. Criteria: CeGaT Center For Human Genetics Tuebingen Variant Classification Criteria Version 2. Collection method: clinical testing. Allele origin: germline. Affected: yes. Observed: 1 variant allele.
Comment: ARID1A: BS1

Labcorp Genetics (formerly Invitae), Labcorp
Classification: Benign. Last evaluated: 2025-11-02. Review status: criteria provided, single submitter. Criteria: Invitae Variant Classification Sherloc (09022015). Collection method: clinical testing. Allele origin: germline.

Blueprint Genetics
Classification: Likely benign. Last evaluated: 2024-06-24. Review status: criteria provided, single submitter. Criteria: ACMG Guidelines, 2015. Collection method: clinical testing. Allele origin: germline.

GeneDx
Classification: Benign. Last evaluated: 2021-06-21. Review status: criteria provided, single submitter. Criteria: GeneDx Variant Classification Process June 2021. Collection method: clinical testing. Allele origin: germline. Affected: yes.

PreventionGenetics, part of Exact Sciences
Classification: Likely benign for ARID1A-related condition. Last evaluated: 2021-06-03. Review status: no assertion criteria provided. Collection method: clinical testing. Allele origin: germline. Not counted in ClinVar's aggregate classification.
Comment: This variant is classified as likely benign based on ACMG/AMP sequence variant interpretation guidelines (Richards et al. 2015 PMID: 25741868, with internal and published modifications).